The following is an entry in ClinVar:

NM_000268.4(NF2):c.157A>G (p.Thr53Ala)

Gene: NF2 (NF2, moesin-ezrin-radixin like (MERLIN) tumor suppressor; plus strand). Cytogenetic location: 22q12.2.
Variant type: single nucleotide variant.
Coding change: c.157A>G on transcript NM_000268.4 (MANE Select); coding-DNA position 157, A replaced by G.
Protein change: p.Thr53Ala; replaces threonine 53 with alanine.
Molecular consequence: missense variant. On other transcripts: non-coding transcript variant (1), intron variant (3).
Genome position (GRCh38, 1-based): chr22:29,636,793, A>G. VCF-style: chr22-29636793-A-G. GRCh37 (hg19) VCF-style: chr22-30032782-A-G.
Other names: c.157A>G, p.Thr53Ala (NM_016418.5, NM_181825.3, NM_181829.3 and 2 more transcripts); c.115-2297A>G (NM_181828.3); c.115-5409A>G (NM_181830.3, NM_181831.3); short protein forms T53A.
Identifiers: ClinVar variation 647351 (VCV000647351.12), dbSNP rs1601578990, ClinGen allele CA411152504.

ClinVar aggregate classification (germline): Uncertain significance. Review status: criteria provided, multiple submitters, no conflicts (2 of 4 stars). 2 submissions from 2 submitters: Uncertain significance (2). Last evaluated 2025-06-29.

Conditions:
Hereditary cancer-predisposing syndrome. Also called: Neoplastic Syndromes, Hereditary; Hereditary Cancer Syndrome; Tumor predisposition; Hereditary neoplastic syndrome. Identifiers: Orphanet 140162, MedGen C0027672, MeSH D009386, MONDO:0015356.
Neurofibromatosis, type 2 (SWNV). Also called: BILATERAL ACOUSTIC NEUROFIBROMATOSIS; NF2-Related Schwannomatosis; SCHWANNOMATOSIS, VESTIBULAR. Identifiers: Orphanet 637, MedGen C0027832, MONDO:0007039, OMIM 101000. Disease mechanism: loss of function.

Submissions (2):

Ambry Genetics
Classification: Uncertain significance for Hereditary cancer-predisposing syndrome. Last evaluated: 2025-06-29. Review status: criteria provided, single submitter. Criteria: Ambry Variant Classification Scheme 2023. Collection method: clinical testing. Allele origin: germline.
Comment: The p.T53A variant (also known as c.157A>G), located in coding exon 2 of the NF2 gene, results from an A to G substitution at nucleotide position 157. The threonine at codon 53 is replaced by alanine, an amino acid with similar properties. This amino acid position is highly conserved in available vertebrate species. In addition, the in silico prediction for this alteration is inconclusive. Based on the available evidence, the clinical significance of this variant remains unclear.

Labcorp Genetics (formerly Invitae), Labcorp
Classification: Uncertain significance for Neurofibromatosis, type 2. Last evaluated: 2024-12-17. Review status: criteria provided, single submitter. Criteria: Invitae Variant Classification Sherloc (09022015). Collection method: clinical testing. Allele origin: germline.
Comment: This sequence change replaces threonine, which is neutral and polar, with alanine, which is neutral and non-polar, at codon 53 of the NF2 protein (p.Thr53Ala). This variant is not present in population databases (gnomAD no frequency). This variant has not been reported in the literature in individuals affected with NF2-related conditions. ClinVar contains an entry for this variant (Variation ID: 647351). Invitae Evidence Modeling of protein sequence and biophysical properties (such as structural, functional, and spatial information, amino acid conservation, physicochemical variation, residue mobility, and thermodynamic stability) indicates that this missense variant is not expected to disrupt NF2 protein function with a negative predictive value of 80%. In summary, the available evidence is currently insufficient to determine the role of this variant in disease. Therefore, it has been classified as a Variant of Uncertain Significance.